The following is an entry in ClinVar:

ClinVar aggregate classification (germline): Uncertain significance. Review status: criteria provided, multiple submitters, no conflicts (2 of 4 stars). 2 submissions from 2 submitters: Uncertain significance (2). Last evaluated 2024-08-05.

Conditions:
Brachyolmia-amelogenesis imperfecta syndrome. Also called: PLATYSPONDYLY WITH AMELOGENESIS IMPERFECTA; Tooth agenesis, selective, 6; Dental anomalies and short stature. Identifiers: Orphanet 2899, MedGen C1832594, MONDO:0011018, OMIM 601216. Disease mechanism: loss of function.

Allele frequency attached by ClinVar (database versions not stated): gnomAD exomes 0.00001; TOPMed 0.00001.
gnomAD v4.1: 5 of 1,611,344 alleles (0.00031%); highest among the groups gnomAD compares: East Asian, 0.0045%; no homozygotes.

Submissions (2):

Labcorp Genetics (formerly Invitae), Labcorp
Classification: Uncertain significance for Brachyolmia-amelogenesis imperfecta syndrome. Last evaluated: 2024-08-05. Review status: criteria provided, single submitter. Criteria: Invitae Variant Classification Sherloc (09022015). Collection method: clinical testing. Allele origin: germline.
Comment: This sequence change replaces arginine, which is basic and polar, with histidine, which is basic and polar, at codon 992 of the LTBP3 protein (p.Arg992His). The frequency data for this variant in the population databases is considered unreliable, as metrics indicate poor data quality at this position in the gnomAD database. This variant has not been reported in the literature in individuals affected with LTBP3-related conditions. ClinVar contains an entry for this variant (Variation ID: 1031126). An algorithm developed to predict the effect of missense changes on protein structure and function (PolyPhen-2) suggests that this variant is likely to be disruptive. In summary, the available evidence is currently insufficient to determine the role of this variant in disease. Therefore, it has been classified as a Variant of Uncertain Significance.

Baylor Genetics
Classification: Uncertain significance for Brachyolmia-amelogenesis imperfecta syndrome. Last evaluated: 2020-09-19. Review status: criteria provided, single submitter. Criteria: ACMG Guidelines, 2015. Collection method: clinical testing. Allele origin: unknown. Affected: yes.
Comment: This variant was determined to be of uncertain significance according to ACMG Guidelines, 2015 [PMID:25741868].

NM_001130144.3(LTBP3):c.2975G>A (p.Arg992His)

Genes: LTBP3 (latent transforming growth factor beta binding protein 3; minus strand), LOC121832793 (Sharpr-MPRA regulatory region 4001; plus strand). Cytogenetic location: 11q13.1.
Variant type: single nucleotide variant.
Coding change: c.2975G>A on transcript NM_001130144.3 (MANE Select); coding-DNA position 2975, G replaced by A.
Protein change: p.Arg992His; replaces arginine 992 with histidine.
Molecular consequence: missense variant.
Genome position (GRCh38, 1-based): chr11:65,540,873, C>T on the plus strand (G>A on the coding strand, the complement: LTBP3 is on the minus strand). VCF-style: chr11-65540873-C-T. GRCh37 (hg19) VCF-style: chr11-65308344-C-T.
Other names: c.2624G>A, p.Arg875His (NM_001164266.1); c.2975G>A, p.Arg992His (NM_021070.4); short protein forms R992H, R875H.
Identifiers: ClinVar variation 1031126 (VCV001031126.3), dbSNP rs1407290844, ClinGen allele CA381267959.